The following is an entry in ClinVar:

ClinVar aggregate classification (germline): Uncertain significance (1 of 4 stars; one submission).

Submission:

Labcorp Genetics (formerly Invitae), Labcorp
Classification: Uncertain significance. Last evaluated: 2025-02-17. Review status: criteria provided, single submitter. Criteria: Invitae Variant Classification Sherloc (09022015). Collection method: clinical testing. Allele origin: germline.
Comment: This sequence change replaces aspartic acid, which is acidic and polar, with glutamic acid, which is acidic and polar, at codon 267 of the WFS1 protein (p.Asp267Glu). This variant is not present in population databases (gnomAD no frequency). This variant has not been reported in the literature in individuals affected with WFS1-related conditions. Invitae Evidence Modeling of protein sequence and biophysical properties (such as structural, functional, and spatial information, amino acid conservation, physicochemical variation, residue mobility, and thermodynamic stability) indicates that this missense variant is not expected to disrupt WFS1 protein function with a negative predictive value of 95%. In summary, the available evidence is currently insufficient to determine the role of this variant in disease. Therefore, it has been classified as a Variant of Uncertain Significance.

NM_006005.3(WFS1):c.801C>A (p.Asp267Glu)

Gene: WFS1 (wolframin ER transmembrane glycoprotein; plus strand). Cytogenetic location: 4p16.1.
Variant type: single nucleotide variant.
Coding change: c.801C>A on transcript NM_006005.3 (MANE Select); coding-DNA position 801, C replaced by A.
Protein change: p.Asp267Glu; replaces aspartic acid 267 with glutamic acid.
Molecular consequence: missense variant.
Genome position (GRCh38, 1-based): chr4:6,295,129, C>A. VCF-style: chr4-6295129-C-A. GRCh37 (hg19) VCF-style: chr4-6296856-C-A.
Other names: c.801C>A, p.Asp267Glu (NM_001145853.1); short protein forms D267E.
Identifiers: ClinVar variation 3637001 (VCV003637001.2).